The following is an entry in ClinVar:

NM_005609.4(PYGM):c.1969+1G>A

Gene: PYGM (glycogen phosphorylase, muscle associated; minus strand). Cytogenetic location: 11q13.1.
Variant type: single nucleotide variant.
Coding change: c.1969+1G>A on transcript NM_005609.4 (MANE Select); the canonical splice donor site of the intron after coding-DNA position 1969, G replaced by A.
Molecular consequence: splice donor variant.
Genome position (GRCh38, 1-based): chr11:64,751,324, C>T on the plus strand (G>A on the coding strand, the complement: PYGM is on the minus strand). VCF-style: chr11-64751324-C-T. GRCh37 (hg19) VCF-style: chr11-64518796-C-T.
Other names: c.1969+1G>A (NM_005609.3); c.1705+1G>A (NM_001164716.1).
Identifiers: ClinVar variation 1981159 (VCV001981159.7), dbSNP rs753181427, ClinGen allele CA381168508.

ClinVar aggregate classification (germline): Likely pathogenic. Review status: criteria provided, multiple submitters, no conflicts (2 of 4 stars). 4 submissions from 4 submitters: Likely pathogenic (4). Last evaluated 2026-01-20.

Conditions:
Glycogen storage disease, type V (GSD5). Also called: McArdle type glycogen storage disease; MCARDLE DISEASE; MUSCLE GLYCOGEN PHOSPHORYLASE DEFICIENCY; MYOPHOSPHORYLASE DEFICIENCY; PYGM DEFICIENCY. Identifiers: Orphanet 368, MedGen C0017924, MONDO:0009293, OMIM 232600.

Submissions (4):

Labcorp Genetics (formerly Invitae), Labcorp
Classification: Likely pathogenic for Glycogen storage disease, type V. Last evaluated: 2026-01-20. Review status: criteria provided, single submitter. Criteria: Invitae Variant Classification Sherloc (09022015). Collection method: clinical testing. Allele origin: germline.
Comment: This sequence change affects a donor splice site in intron 16 of the PYGM gene. It is expected to disrupt RNA splicing. Variants that disrupt the donor or acceptor splice site typically lead to a loss of protein function (PMID: 16199547), and loss-of-function variants in PYGM are known to be pathogenic (PMID: 8316268, 16786513). This variant is not present in population databases (gnomAD no frequency). This variant has not been reported in the literature in individuals affected with PYGM-related conditions. ClinVar contains an entry for this variant (Variation ID: 1981159). Algorithms developed to predict the effect of sequence changes on RNA splicing suggest that this variant may disrupt the consensus splice site. In summary, the currently available evidence indicates that the variant is pathogenic, but additional data are needed to prove that conclusively. Therefore, this variant has been classified as Likely Pathogenic.

Natera, Inc.
Classification: Likely pathogenic for Glycogen storage disease V. Last evaluated: 2025-05-12. Review status: criteria provided, single submitter. Criteria: Natera Variant Classification Schema (03/2026). Collection method: clinical testing. Allele origin: germline.
Comment: The c.1969+1G>A variant in PYGM is a canonical splice donor site variant predicted to affect pre-mRNA splicing, which may result in an abnormal transcript and altered protein product. This variant is expected to result in nonsense mediated decay, truncation, or a dysfunctional protein product. This variant is rare in the general population with a frequency below the threshold expected for the associated phenotype(s). Given the available evidence, this variant is classified as Likely Pathogenic.

Fulgent Genetics
Classification: Likely pathogenic for Glycogen storage disease, type V. Last evaluated: 2024-05-31. Review status: criteria provided, single submitter. Criteria: ACMG Guidelines, 2015. Collection method: clinical testing. Allele origin: germline.

Baylor Genetics
Classification: Likely pathogenic for Glycogen storage disease, type V. Last evaluated: 2023-10-19. Review status: criteria provided, single submitter. Criteria: ACMG Guidelines, 2015. Collection method: clinical testing. Allele origin: unknown.

Literature cited by the submitters: PubMed 16199547 (cited by Labcorp Genetics (formerly Invitae), Labcorp); PubMed 8316268 (cited by Labcorp Genetics (formerly Invitae), Labcorp); PubMed 16786513 (cited by Labcorp Genetics (formerly Invitae), Labcorp).